The following is an entry in ClinVar:

ClinVar aggregate classification (germline): Conflicting classifications of pathogenicity. Review status: criteria provided, conflicting classifications (1 of 4 stars). 2 submissions from 2 submitters: Uncertain significance (1); Likely benign (1). Last evaluated 2026-03-30.

Conditions:
DMXL2-related disorder. Also called: DMXL2-related condition.

Allele frequency attached by ClinVar (database versions not stated): ExAC 0.00007; gnomAD 0.00014; TOPMed 0.00015; 1000 Genomes Project 30x 0.00016; 1000 Genomes Project 0.00020; ESP Exome Variant Server 0.00039.
gnomAD v4.1: 51 of 1,614,152 alleles (0.0032%); highest among the groups gnomAD compares: African/African-American, 0.064%; no homozygotes.

Submissions (2):

PreventionGenetics, part of Exact Sciences
Classification: Uncertain significance for DMXL2-related condition. Last evaluated: 2026-03-30. Review status: criteria provided, single submitter. Criteria: ACMG Guidelines, 2015. Collection method: clinical testing. Allele origin: germline.
Comment: The DMXL2 c.7113G>T variant is not predicted to result in an amino acid change (p.=). This variant is predicted to create a cryptic splice acceptor site (SpliceAI, Jaganathan et al. 2019. PubMed ID: 30661751). To our knowledge, this variant has not been reported in the literature. This variant is reported in 0.036% of alleles in individuals of African descent in gnomAD. At this time, the clinical significance of this variant is uncertain due to the absence of conclusive functional and genetic evidence.

Labcorp Genetics (formerly Invitae), Labcorp
Classification: Likely benign. Last evaluated: 2026-01-05. Review status: criteria provided, single submitter. Criteria: Invitae Variant Classification Sherloc (09022015). Collection method: clinical testing. Allele origin: germline.

NM_001378457.1(DMXL2):c.7113G>T (p.Arg2371=)

Gene: DMXL2 (Dmx like 2; minus strand). Cytogenetic location: 15q21.2.
Variant type: single nucleotide variant.
Coding change: c.7113G>T on transcript NM_001378457.1 (MANE Select); coding-DNA position 7113, G replaced by T.
Protein change: p.Arg2371=; no amino-acid change (arginine 2371 retained).
Molecular consequence: synonymous variant. On other transcripts: non-coding transcript variant (2).
Genome position (GRCh38, 1-based): chr15:51,474,444, C>A on the plus strand (G>T on the coding strand, the complement: DMXL2 is on the minus strand). VCF-style: chr15-51474444-C-A. GRCh37 (hg19) VCF-style: chr15-51766641-C-A.
Other names: c.7113G>T, p.Arg2371= (NM_001174116.3, NM_001378459.1, NM_001378461.1 and 1 more transcripts); c.5202G>T, p.Arg1734= (NM_001174117.3); c.7110G>T, p.Arg2370= (NM_001378458.1, NM_001378462.1, NM_015263.5); c.5091G>T, p.Arg1697= (NM_001378460.1); c.6870G>T, p.Arg2290= (NM_001378464.1); c.7113G>T (NM_001174116.1).
Identifiers: ClinVar variation 2068435 (VCV002068435.5), dbSNP rs150387200, ClinGen allele CA7561454.